The following is an entry in ClinVar:

ClinVar aggregate classification (germline): Uncertain significance (1 of 4 stars; one submission).

Conditions:
Inborn genetic diseases. Identifiers: MedGen C0950123, MeSH D030342.

Submission:

Ambry Genetics
Classification: Uncertain significance for Inborn genetic diseases. Last evaluated: 2023-03-22. Review status: criteria provided, single submitter. Criteria: Ambry Variant Classification Scheme 2023. Collection method: clinical testing. Allele origin: germline.
Comment: The p.P62T variant (also known as c.184C>A), located in coding exon 2 of the MDH2 gene, results from a C to A substitution at nucleotide position 184. The proline at codon 62 is replaced by threonine, an amino acid with highly similar properties. This amino acid position is conserved. In addition, the in silico prediction for this alteration is inconclusive. Since supporting evidence is limited at this time, the clinical significance of this alteration remains unclear.

NM_005918.4(MDH2):c.184C>A (p.Pro62Thr)

Gene: MDH2 (malate dehydrogenase 2; plus strand). Cytogenetic location: 7q11.23.
Variant type: single nucleotide variant.
Coding change: c.184C>A on transcript NM_005918.4 (MANE Select); coding-DNA position 184, C replaced by A.
Protein change: p.Pro62Thr; replaces proline 62 with threonine.
Molecular consequence: missense variant. On other transcripts: intron variant (1).
Genome position (GRCh38, 1-based): chr7:76,054,947, C>A. VCF-style: chr7-76054947-C-A. GRCh37 (hg19) VCF-style: chr7-75684265-C-A.
Other names: c.184C>A, p.Pro62Thr (NM_001282403.2); c.-86-2463C>A (NM_001282404.2); short protein forms P62T.
Identifiers: ClinVar variation 2562827 (VCV002562827.2), dbSNP rs1007364275, ClinGen allele CA367762576.